The following is an entry in ClinVar:

ClinVar aggregate classification (germline): Uncertain significance (1 of 4 stars; one submission).

Submission:

Women's Health and Genetics/Laboratory Corporation of America, LabCorp
Classification: Uncertain significance. Last evaluated: 2023-08-30. Review status: criteria provided, single submitter. Criteria: LabCorp Variant Classification Summary - May 2015. Collection method: clinical testing. Allele origin: germline.
Comment: Variant summary: ARSB c.274A>G (p.Thr92Ala) results in a non-conservative amino acid change located in the Sulfatase, N-terminal domain (IPR000917) of the encoded protein sequence. Five of five in-silico tools predict a damaging effect of the variant on protein function. The variant was absent in 163324 control chromosomes (gnomAD). The available data on variant occurrences in the general population are insufficient to allow any conclusion about variant significance. To our knowledge, no occurrence of c.274A>G in individuals affected with Mucopolysaccharidosis Type VI (Maroteaux-Lamy Syndrome) and no experimental evidence demonstrating its impact on protein function have been reported. No submitters have cited clinical-significance assessments for this variant to ClinVar after 2014. Based on the evidence outlined above, the variant was classified as uncertain significance.

NM_000046.5(ARSB):c.274A>G (p.Thr92Ala)

Genes: ARSB (arylsulfatase B; minus strand), LOC129994126 (ATAC-STARR-seq lymphoblastoid silent region 16127; plus strand). Cytogenetic location: 5q14.1.
Variant type: single nucleotide variant.
Coding change: c.274A>G on transcript NM_000046.5 (MANE Select); coding-DNA position 274, A replaced by G.
Protein change: p.Thr92Ala; replaces threonine 92 with alanine.
Molecular consequence: missense variant.
Genome position (GRCh38, 1-based): chr5:78,984,975, T>C on the plus strand (A>G on the coding strand, the complement: ARSB is on the minus strand). VCF-style: chr5-78984975-T-C. GRCh37 (hg19) VCF-style: chr5-78280798-T-C.
Other names: c.274A>G, p.Thr92Ala (NM_198709.3); short protein forms T92A.
Identifiers: ClinVar variation 2581446 (VCV002581446.1), dbSNP rs2530667465, ClinGen allele CA360196445.